The following is an entry in ClinVar:

NM_030948.6(PHACTR1):c.1438A>G (p.Ile480Val)

Genes: PHACTR1 (phosphatase and actin regulator 1; plus strand), TBC1D7-LOC100130357 (TBC1D7-LOC100130357 readthrough; minus strand). Cytogenetic location: 6p24.1.
Variant type: single nucleotide variant.
Coding change: c.1438A>G on transcript NM_030948.6 (MANE Select); coding-DNA position 1438, A replaced by G.
Protein change: p.Ile480Val; replaces isoleucine 480 with valine.
Molecular consequence: missense variant. On other transcripts: intron variant (1).
Genome position (GRCh38, 1-based): chr6:13,272,906, A>G. VCF-style: chr6-13272906-A-G. GRCh37 (hg19) VCF-style: chr6-13273138-A-G.
Other names: c.1438A>G, p.Ile480Val (NM_001242648.4, NM_001322308.3, NM_001322309.3 and 1 more transcripts); c.1645A>G, p.Ile549Val (NM_001322310.2); c.1162A>G, p.Ile388Val (NM_001322311.2, NM_001322312.3, NM_001374583.2); c.1369A>G, p.Ile457Val (NM_001322313.2); c.1648A>G, p.Ile550Val (NM_001322314.4); c.*40-5071T>C (NM_001318809.2); short protein forms I457V, I388V, I480V, I549V, I550V.
Identifiers: ClinVar variation 4088212 (VCV004088212.1).

ClinVar aggregate classification (germline): Uncertain significance (1 of 4 stars; one submission).

Submission:

GeneDx
Classification: Uncertain significance. Last evaluated: 2025-03-23. Review status: criteria provided, single submitter. Criteria: GeneDx Variant Classification Process June 2021. Collection method: clinical testing. Allele origin: germline. Affected: yes.
Comment: Not observed at significant frequency in large population cohorts (gnomAD); In silico analysis indicates that this missense variant does not alter protein structure/function; Has not been previously published as pathogenic or benign to our knowledge